The following is an entry in ClinVar:

ClinVar aggregate classification (germline): Uncertain significance. Review status: criteria provided, multiple submitters, no conflicts (2 of 4 stars). 2 submissions from 2 submitters: Uncertain significance (2). Last evaluated 2022-07-06.

Submissions (2):

Labcorp Genetics (formerly Invitae), Labcorp
Classification: Uncertain significance. Last evaluated: 2022-07-06. Review status: criteria provided, single submitter. Criteria: Invitae Variant Classification Sherloc (09022015). Collection method: clinical testing. Allele origin: germline.
Comment: In summary, the available evidence is currently insufficient to determine the role of this variant in disease. Therefore, it has been classified as a Variant of Uncertain Significance. Advanced modeling of protein sequence and biophysical properties (such as structural, functional, and spatial information, amino acid conservation, physicochemical variation, residue mobility, and thermodynamic stability) performed at Invitae indicates that this missense variant is expected to disrupt ACO2 protein function. ClinVar contains an entry for this variant (Variation ID: 1061694). This variant has not been reported in the literature in individuals affected with ACO2-related conditions. This variant is not present in population databases (gnomAD no frequency). This sequence change replaces asparagine, which is neutral and polar, with threonine, which is neutral and polar, at codon 152 of the ACO2 protein (p.Asn152Thr).

Blueprint Genetics
Classification: Uncertain significance. Last evaluated: 2021-11-04. Review status: criteria provided, single submitter. Criteria: ACMG Guidelines, 2015. Collection method: clinical testing. Allele origin: germline.

NM_001098.3(ACO2):c.455A>C (p.Asn152Thr)

Gene: ACO2 (aconitase 2; plus strand). Cytogenetic location: 22q13.2.
Variant type: single nucleotide variant.
Coding change: c.455A>C on transcript NM_001098.3 (MANE Select); coding-DNA position 455, A replaced by C.
Protein change: p.Asn152Thr; replaces asparagine 152 with threonine.
Molecular consequence: missense variant.
Genome position (GRCh38, 1-based): chr22:41,511,898, A>C. VCF-style: chr22-41511898-A-C. GRCh37 (hg19) VCF-style: chr22-41907902-A-C.
Other names: short protein forms N152T.
Identifiers: ClinVar variation 1061694 (VCV001061694.10), dbSNP rs2066435980, ClinGen allele CA411715707.